The following is an entry in ClinVar:

NM_080822.3(OVCA2):c.402A>G (p.Ala134=)

Genes: DPH1 (diphthamide biosynthesis 1; plus strand), OVCA2 (OVCA2 serine hydrolase domain containing; plus strand). Cytogenetic location: 17p13.3.
Variant type: single nucleotide variant.
Coding change: c.402A>G on transcript NM_080822.3 (MANE Select); coding-DNA position 402, A replaced by G.
Protein change: p.Ala134=; no amino-acid change (alanine 134 retained).
Molecular consequence: synonymous variant. On other transcripts: 3 prime UTR variant (4), non-coding transcript variant (3).
Genome position (GRCh38, 1-based): chr17:2,042,822, A>G. VCF-style: chr17-2042822-A-G. GRCh37 (hg19) VCF-style: chr17-1946116-A-G.
Other names: c.*236A>G (NM_001346574.1, NM_001346575.1, NM_001346576.2 and 1 more transcripts).
Identifiers: ClinVar variation 4535097 (VCV004535097.6).
Genomic context (GRCh38, chr17:2,042,822, plus strand): 5'-CCTTCTTGGTTTCAGCCAAGGGGCTGCGCTAGCAGCCCTTGTGTGTGCCCTGGGCCAGGC[A>G]GGCGATCCCCGCTTCCCCTTGCCACGGTTTATCCTCTTGGTGTCTGGTTTCTGTCCCCGG-3'
Protein context (NP_543012.1, residues 124-144): LAALVCALGQ[Ala134=]GDPRFPLPRF

ClinVar aggregate classification (germline): Likely benign (1 of 4 stars; one submission).

gnomAD v4.1: 4 of 1,614,080 alleles (0.00025%); highest among the groups gnomAD compares: South Asian, 0.0044%; no homozygotes.

Submission:

CeGaT Center for Human Genetics Tuebingen
Classification: Likely benign. Last evaluated: 2025-11-01. Review status: criteria provided, single submitter. Criteria: CeGaT Center For Human Genetics Tuebingen Variant Classification Criteria Version 2. Collection method: clinical testing. Allele origin: germline. Affected: yes. Observed: 1 variant allele.
Comment: OVCA2: BP4, BP7